The following is an entry in ClinVar:

NM_006231.4(POLE):c.6657+3G>T

Gene: POLE (DNA polymerase epsilon, catalytic subunit; minus strand). Cytogenetic location: 12q24.33.
Variant type: single nucleotide variant.
Coding change: c.6657+3G>T on transcript NM_006231.4 (MANE Select); 3 bases into the intron after coding-DNA position 6657, G replaced by T.
Molecular consequence: intron variant.
Genome position (GRCh38, 1-based): chr12:132,625,642, C>A on the plus strand (G>T on the coding strand, the complement: POLE is on the minus strand). VCF-style: chr12-132625642-C-A. GRCh37 (hg19) VCF-style: chr12-133202228-C-A.
Other names: c.6657+3G>T (NM_006231.2).
Identifiers: ClinVar variation 2912728 (VCV002912728.4), dbSNP rs2541836737, ClinGen allele CA2622046250.

ClinVar aggregate classification (germline): Uncertain significance. Review status: criteria provided, multiple submitters, no conflicts (2 of 4 stars). 2 submissions from 2 submitters: Uncertain significance (2). Last evaluated 2025-07-03.

Conditions:
Hereditary cancer-predisposing syndrome. Also called: Hereditary Cancer Syndrome; Tumor predisposition; Hereditary neoplastic syndrome; Neoplastic Syndromes, Hereditary. Identifiers: Orphanet 140162, MedGen C0027672, MeSH D009386, MONDO:0015356.

Submissions (2):

Ambry Genetics
Classification: Uncertain significance for Hereditary cancer-predisposing syndrome. Last evaluated: 2025-07-03. Review status: criteria provided, single submitter. Criteria: Ambry Variant Classification Scheme 2023. Collection method: clinical testing. Allele origin: germline.
Comment: The c.6657+3G>T intronic variant results from a G to T substitution 3 nucleotides after coding exon 47 in the POLE gene. This nucleotide position is not well conserved in available vertebrate species. In silico splice site analysis predicts that this alteration will not have any significant effect on splicing. The evidence for this gene-disease relationship is limited; therefore, the clinical significance of this alteration is unclear.

Labcorp Genetics (formerly Invitae), Labcorp
Classification: Uncertain significance. Last evaluated: 2023-01-26. Review status: criteria provided, single submitter. Criteria: Invitae Variant Classification Sherloc (09022015). Collection method: clinical testing. Allele origin: germline.
Comment: This variant has not been reported in the literature in individuals affected with POLE-related conditions. In summary, the available evidence is currently insufficient to determine the role of this variant in disease. Therefore, it has been classified as a Variant of Uncertain Significance. Variants that disrupt the consensus splice site are a relatively common cause of aberrant splicing (PMID: 17576681, 9536098). Algorithms developed to predict the effect of sequence changes on RNA splicing suggest that this variant is not likely to affect RNA splicing. This variant is not present in population databases (gnomAD no frequency). This sequence change falls in intron 47 of the POLE gene. It does not directly change the encoded amino acid sequence of the POLE protein. It affects a nucleotide within the consensus splice site.

Literature cited by the submitters: PubMed 17576681 (cited by Labcorp Genetics (formerly Invitae), Labcorp); PubMed 9536098 (cited by Labcorp Genetics (formerly Invitae), Labcorp).